The following is an entry in ClinVar:

ClinVar aggregate classification (germline): Likely pathogenic (1 of 4 stars; one submission).

Conditions:
Usher syndrome type 2C. Also called: Usher syndrome, type 2B; USHER SYNDROME, TYPE IIC. Identifiers: Orphanet 231178, Orphanet 886, MedGen C2931213, MONDO:0011558, OMIM 605472.

Submission:

3billion
Classification: Likely pathogenic for Usher syndrome type 2C. Last evaluated: 2023-11-21. Review status: criteria provided, single submitter. Criteria: ACMG Guidelines, 2015. Collection method: clinical testing. Allele origin: germline. Affected: yes.
Comment: The variant is not observed in the gnomAD v2.1.1 dataset. Predicted Consequence/Location: Canonical splice site: predicted to alter splicing and result in a loss or disruption of normal protein function. Multiple pathogenic loss-of-function variants are reported downstream of the variant. In silico tools predict the variant to alter splicing and produce an abnormal transcript [Splice AI: 0.98 (spliceogenicity >=0.2, non-spliceogenicity <0.1)]. Therefore, this variant is classified as Likely pathogenic according to the recommendation of ACMG/AMP guideline.

NM_032119.4(ADGRV1):c.16368+1G>A

Gene: ADGRV1 (adhesion G protein-coupled receptor V1; plus strand). Cytogenetic location: 5q14.3.
Variant type: single nucleotide variant.
Coding change: c.16368+1G>A on transcript NM_032119.4 (MANE Select); the canonical splice donor site of the intron after coding-DNA position 16368, G replaced by A.
Molecular consequence: splice donor variant.
Genome position (GRCh38, 1-based): chr5:90,823,597, G>A. VCF-style: chr5-90823597-G-A. GRCh37 (hg19) VCF-style: chr5-90119414-G-A.
Identifiers: ClinVar variation 3775780 (VCV003775780.1).